The following is an entry in ClinVar:

ClinVar aggregate classification (germline): Pathogenic (1 of 4 stars; one submission).

Conditions:
Neurofibromatosis, type 1 (NF1). Also called: Peripheral type neurofibromatosis; Neurofibromatosis, type I; VON RECKLINGHAUSEN DISEASE; NEUROFIBROMATOSIS, TYPE I, SOMATIC. Identifiers: Orphanet 636, MedGen C0027831, MONDO:0018975, OMIM 162200. Disease mechanism: loss of function.

Submission:

Labcorp Genetics (formerly Invitae), Labcorp
Classification: Pathogenic for Neurofibromatosis, type 1. Last evaluated: 2019-05-02. Review status: criteria provided, single submitter. Criteria: Invitae Variant Classification Sherloc (09022015). Collection method: clinical testing. Allele origin: germline.
Comment: Loss-of-function variants in NF1 are known to be pathogenic (PMID: 10712197, 23913538). For these reasons, this variant has been classified as Pathogenic. This variant has been reported in individuals in the Leiden Open-source Variation Database (PMID: 21520333). This variant is not present in population databases (ExAC no frequency). This sequence change creates a premature translational stop signal (p.Glu648*) in the NF1 gene. It is expected to result in an absent or disrupted protein product.

Literature cited by the submitters: PubMed 10712197; PubMed 23913538; PubMed 21520333.

NM_001042492.3(NF1):c.1942G>T (p.Glu648Ter)

Gene: NF1 (neurofibromin 1; plus strand). Cytogenetic location: 17q11.2.
Variant type: single nucleotide variant.
Coding change: c.1942G>T on transcript NM_001042492.3 (MANE Select); coding-DNA position 1942, G replaced by T.
Protein change: p.Glu648Ter; replaces glutamic acid 648 with a stop codon.
Molecular consequence: nonsense.
Genome position (GRCh38, 1-based): chr17:31,225,191, G>T. VCF-style: chr17-31225191-G-T. GRCh37 (hg19) VCF-style: chr17-29552209-G-T.
Other names: c.1942G>T, p.Glu648Ter (NM_000267.4); short protein forms E648*.
Identifiers: ClinVar variation 947858 (VCV000947858.6), dbSNP rs2066992127, ClinGen allele CA399005443.